The following is an entry in ClinVar:

ClinVar aggregate classification (germline): Likely pathogenic (1 of 4 stars; one submission).

Conditions:
Thyroid dyshormonogenesis 6 (TDH6). Also called: Genetic transient congenital hypothyroidism; THYROID HORMONOGENESIS, GENETIC DEFECT IN, 6; HYPOTHYROIDISM, CONGENITAL, DUE TO DYSHORMONOGENESIS, 6. Identifiers: Orphanet 226316, Orphanet 95716, MedGen C1846632, MONDO:0011792, OMIM 607200.

Submission:

Women's Health and Genetics/Laboratory Corporation of America, LabCorp
Classification: Likely pathogenic for Thyroid dyshormonogenesis 6. Last evaluated: 2025-04-08. Review status: criteria provided, single submitter. Criteria: LabCorp Variant Classification Summary - May 2015. Collection method: clinical testing. Allele origin: germline.
Comment: Variant summary: DUOX2 c.534G>T (p.Trp178Cys) results in a non-conservative amino acid change located in the peroxidase domain (IPR034821) of the encoded protein sequence. Five of five in-silico tools predict a damaging effect of the variant on protein function. The variant was absent in 141452 control chromosomes (gnomAD). c.534G>T has been reported in the literature in at least two compound heterozygous individuals affected with Thyroid Dyshormonogenesis 6 (e.g. Tan_2016, Sun_2018), who carried a (likely) pathogenic variant on the other allele. These data indicate that the variant may be associated with disease. At least one publication reported experimental evidence evaluating an impact on protein function and demonstrated that the variant results in about 20% of normal activity (Sun_2021). The following publications have been ascertained in the context of this evaluation (PMID: 29650690, 34564849, 27557340). No submitters have cited clinical-significance assessments for this variant to ClinVar. Based on the evidence outlined above, the variant was classified as likely pathogenic.

Literature cited by the submitters: PubMed 34564849; PubMed 29650690; PubMed 27557340.

NM_001363711.2(DUOX2):c.534G>T (p.Trp178Cys)

Gene: DUOX2 (dual oxidase 2; minus strand). Cytogenetic location: 15q21.1.
Variant type: single nucleotide variant.
Coding change: c.534G>T on transcript NM_001363711.2 (MANE Select); coding-DNA position 534, G replaced by T.
Protein change: p.Trp178Cys; replaces tryptophan 178 with cysteine.
Molecular consequence: missense variant.
Genome position (GRCh38, 1-based): chr15:45,111,565, C>A on the plus strand (G>T on the coding strand, the complement: DUOX2 is on the minus strand). VCF-style: chr15-45111565-C-A. GRCh37 (hg19) VCF-style: chr15-45403763-C-A.
Other names: c.534G>T, p.Trp178Cys (NM_014080.5); short protein forms W178C.
Identifiers: ClinVar variation 3896417 (VCV003896417.2).